The following is an entry in ClinVar:

ClinVar aggregate classification (germline): Uncertain significance. Review status: criteria provided, multiple submitters, no conflicts (2 of 4 stars). 2 submissions from 2 submitters: Uncertain significance (2). Last evaluated 2025-08-07.

Conditions:
Simpson-Golabi-Behmel syndrome type 1 (SGBS1). Also called: GPC3-Related Simpson-Golabi-Behmel Syndrome Type 1; GOLABI-ROSEN SYNDROME; BULLDOG SYNDROME; DYSPLASIA GIGANTISM SYNDROME, X-LINKED; SIMPSON DYSMORPHIA SYNDROME. Identifiers: Orphanet 373, MedGen C0796154, MONDO:0020602, OMIM 312870.
Wilms tumor 1 (WT1). Also called: Wilms tumor, somatic. Identifiers: Orphanet 654, MedGen CN033288, MONDO:0008679, OMIM 194070.

Allele frequency attached by ClinVar (database versions not stated): ExAC 0.00002; gnomAD exomes below 0.00001 and 0.00001; TOPMed 0.00002; ESP Exome Variant Server 0.00009.
gnomAD v4.1: 2 of 1,211,858 alleles (0.00017%); highest among the groups gnomAD compares: African/African-American, 0.0035%; no homozygotes.

Submissions (2):

Dasa
Classification: Uncertain significance for Simpson-Golabi-Behmel syndrome type 1. Last evaluated: 2025-08-07. Review status: criteria provided, single submitter. Criteria: DASA Assertion Criteria. Collection method: clinical testing. Allele origin: germline.
Comment: NM_004484.4(GPC3):c.624T>A (p.Phe208Leu) is a missense variant that results in the substitution of phenylalanine with leucine. This variant is rare in population databases. Computational prediction algorithms are consistent with a deleterious effect. The currently available literature and clinical evidence are not sufficient to establish a definitive association between this variant and the reported condition. Therefore, this variant is classified as a variant of uncertain significance.

Labcorp Genetics (formerly Invitae), Labcorp
Classification: Uncertain significance for Wilms tumor 1. Last evaluated: 2023-03-14. Review status: criteria provided, single submitter. Criteria: Invitae Variant Classification Sherloc (09022015). Collection method: clinical testing. Allele origin: germline.
Comment: This variant is present in population databases (rs140848049, gnomAD no frequency). This variant has not been reported in the literature in individuals affected with GPC3-related conditions. ClinVar contains an entry for this variant (Variation ID: 945118). Advanced modeling of protein sequence and biophysical properties (such as structural, functional, and spatial information, amino acid conservation, physicochemical variation, residue mobility, and thermodynamic stability) performed at Invitae indicates that this missense variant is expected to disrupt GPC3 protein function. This sequence change replaces phenylalanine, which is neutral and non-polar, with leucine, which is neutral and non-polar, at codon 208 of the GPC3 protein (p.Phe208Leu). In summary, the available evidence is currently insufficient to determine the role of this variant in disease. Therefore, it has been classified as a Variant of Uncertain Significance.

NM_004484.4(GPC3):c.624T>A (p.Phe208Leu)

Gene: GPC3 (glypican 3; minus strand). Cytogenetic location: Xq26.2.
Variant type: single nucleotide variant.
Coding change: c.624T>A on transcript NM_004484.4 (MANE Select); coding-DNA position 624, T replaced by A.
Protein change: p.Phe208Leu; replaces phenylalanine 208 with leucine.
Molecular consequence: missense variant.
Genome position (GRCh38, 1-based): chrX:133,753,890, A>T on the plus strand (T>A on the coding strand, the complement: GPC3 is on the minus strand). VCF-style: chrX-133753890-A-T. GRCh37 (hg19) VCF-style: chrX-132887917-A-T.
Other names: c.624T>A, p.Phe208Leu (NM_001164617.2); c.576T>A, p.Phe192Leu (NM_001164618.2); c.462T>A, p.Phe154Leu (NM_001164619.2); short protein forms F192L, F208L, F154L.
Identifiers: ClinVar variation 945118 (VCV000945118.10), dbSNP rs140848049, ClinGen allele CA10520814.